The following is an entry in ClinVar:

NM_001378615.1(CC2D2A):c.248-2A>T

Genes: CC2D2A (coiled-coil and C2 domain containing 2A; plus strand), FBXL5 (F-box and leucine rich repeat protein 5; minus strand). Cytogenetic location: 4p15.32.
Variant type: single nucleotide variant.
Coding change: c.248-2A>T on transcript NM_001378615.1 (MANE Select); the canonical splice acceptor site of the intron before coding-DNA position 248, A replaced by T.
Molecular consequence: splice acceptor variant.
Genome position (GRCh38, 1-based): chr4:15,502,427, A>T. VCF-style: chr4-15502427-A-T. GRCh37 (hg19) VCF-style: chr4-15504050-A-T.
Other names: c.248-2A>T (NM_001080522.2); c.101-2A>T (NM_001378617.1).
Identifiers: ClinVar variation 1049636 (VCV001049636.1), dbSNP rs779437509, ClinGen allele CA2863353.
Genomic context (GRCh38, chr4:15,502,427, plus strand): 5'-TTCCTTTTTCTTTTCTTTTTCTTTTTTTTTTATTTTGTTTTGTTTTTGTTTTTGTTTTTT[A>T]GGCTTACCTCCAATTCCTTCAACTTCCAGAACAGGCTTTGCAGAATTTTCCATGAGGGGA-3'

ClinVar aggregate classification (germline): Pathogenic (0 of 4 stars; one submission).

Allele frequency attached by ClinVar (database versions not stated): ExAC 0.00009.

Submission:

Department of Pathology and Laboratory Medicine, Sinai Health System
Classification: Pathogenic. Review status: no assertion criteria provided. Collection method: clinical testing. Allele origin: unknown. Affected: yes. Study: The Canadian Open Genetics Repository (COGR).
Comment: The CC2D2A c.248-2A>T variant was not identified in the literature nor was it identified in ClinVar, Cosmic or LOVD 3.0. The variant was identified in dbSNP (ID: rs779437509) and in control databases in 9 of 224268 chromosomes at a frequency of 0.00004 (Genome Aggregation Database Feb 27, 2017). The variant was observed in the following population: European (non-Finnish) in 9 of 105618 chromosomes (freq: 0.000085), but was not observed in the African, Latino, Ashkenazi Jewish, East Asian, European (Finnish), Other, and South Asian populations. The c.248-2A>T variant is predicted to cause abnormal splicing because the nucleotide substitution occurs in the invariant region of the splice consensus sequence and four of four in silico or computational prediction software programs (SpliceSiteFinder, MaxEntScan, NNSPLICE, and GeneSplicer) predict the loss of the 3' splice site. In summary, based on the above information this variant meets our laboratoryâ€šÃ„Ã´s criteria to be classified as pathogenic.